The following is an entry in ClinVar:

ClinVar aggregate classification (germline): Pathogenic (1 of 4 stars; one submission).

Conditions:
Hypogonadotropic hypogonadism 2 with or without anosmia (HH2). Also called: FGFR1-Related GnRH Deficiency (Kallmann Syndrome 2); HYPOGONADOTROPIC HYPOGONADISM 2 WITHOUT ANOSMIA; HYPOGONADOTROPIC HYPOGONADISM 2 WITH OR WITHOUT ANOSMIA, SUSCEPTIBILITY TO; HYPOGONADOTROPIC HYPOGONADISM 2 WITHOUT ANOSMIA, SUSCEPTIBILITY TO. Identifiers: Orphanet 478, MedGen C1563720, MONDO:0007844, OMIM 147950. Disease mechanism: loss of function.

Submission:

Reproductive Endocrine Unit, Massachusetts General Hospital
Classification: Pathogenic for Hypogonadotropic hypogonadism 2 with or without anosmia. Last evaluated: 2023-05-04. Review status: criteria provided, single submitter. Criteria: ACMG Guidelines, 2015. Collection method: research. Allele origin: de novo. Affected: yes. Observed: 1 variant allele.
Comment: The variant NM_023110.2:c.1727_1734del, p.(Arg576Profs*77) het has been classified as P1a based on the variant meeting the following ACMG Criteria: PVS1,PS2,PM2,PP1,PP3.

NM_023110.3(FGFR1):c.1727_1734del (p.Arg576fs)

Gene: FGFR1 (fibroblast growth factor receptor 1; minus strand). Cytogenetic location: 8p11.23.
Variant type: Deletion.
Coding change: c.1727_1734del on transcript NM_023110.3 (MANE Select); coding-DNA positions 1727 to 1734, 8 bases deleted (GGAGGCCC; older notation c.1727_1734delGGAGGCCC).
Protein change: p.Arg576fs; shifts the reading frame from arginine 576.
Molecular consequence: frameshift variant.
Genome position (GRCh38, 1-based): chr8:38,415,990-38,415,997, GGGCCTCC deleted on the plus strand (GGAGGCCC on the coding strand, the reverse complement: FGFR1 is on the minus strand); deleting any 8 consecutive bases within chr8:38,415,990-38,416,003 gives the same sequence; the c. name uses the placement nearest the transcript's 3' end. VCF-style (leftmost placement, unchanged base first): chr8-38415989-GGGGCCTCC-G. GRCh37 (hg19) VCF-style: chr8-38273507-GGGGCCTCC-G.
Other names: c.1721_1728delAGGCCCGG, p.Arg576Profs (NM_000604.2, NM_023110.2); c.1721_1728del, p.Arg574fs (NM_001174063.2, NM_001174065.2, NM_001354367.2 and 1 more transcripts); c.1697_1704del, p.Arg566fs (NM_001174064.2); c.1460_1467del, p.Arg487fs (NM_001174066.2, NM_023105.3); c.1820_1827del, p.Arg607fs (NM_001174067.2); c.1448_1455del, p.Arg483fs (NM_001354368.2); c.1715_1722del, p.Arg572fs (NM_001354369.2, NM_001410922.1); c.1454_1461del, p.Arg485fs (NM_001354370.2, NM_023106.3); short protein forms R483fs, R485fs, R487fs, R566fs, R572fs, R574fs, R576fs, R607fs.
Identifiers: ClinVar variation 2505395 (VCV002505395.1), dbSNP rs2536853592, ClinGen allele CA2580614540.